The following is an entry in ClinVar:

ClinVar aggregate classification (germline): Uncertain significance. Review status: criteria provided, multiple submitters, no conflicts (2 of 4 stars). 4 submissions from 4 submitters: Uncertain significance (4). Last evaluated 2026-03-04.

Conditions:
Cardiovascular phenotype. Identifiers: MedGen CN230736.
Catecholaminergic polymorphic ventricular tachycardia (CVPT). Also called: Catecholamine-induced polymorphic ventricular tachycardia. Identifiers: Orphanet 3286, MedGen C5574922, MONDO:0017990.
Catecholaminergic polymorphic ventricular tachycardia 1. Also called: RYR2-Related Catecholaminergic Polymorphic Ventricular Tachycardia; VENTRICULAR TACHYCARDIA, CATECHOLAMINERGIC POLYMORPHIC, 1, WITH OR WITHOUT ATRIAL DYSFUNCTION AND/OR DILATED CARDIOMYOPATHY; VENTRICULAR TACHYCARDIA, STRESS-INDUCED POLYMORPHIC 1. Identifiers: Orphanet 3286, MedGen C1631597, MONDO:0011484, OMIM 604772.

Submissions (4):

Ambry Genetics
Classification: Uncertain significance for Cardiovascular phenotype. Last evaluated: 2026-03-04. Review status: criteria provided, single submitter. Criteria: Ambry Variant Classification Scheme 2023. Collection method: clinical testing. Allele origin: germline.
Comment: The c.4275G>A variant (also known as p.T1425T), located in coding exon 32 of the RYR2 gene, results from a G to A substitution at nucleotide position 4275. This nucleotide substitution does not change the amino acid at codon 1425. However, this change occurs in the last base pair of coding exon 32, which makes it likely to have some effect on normal mRNA splicing. This nucleotide position is well conserved in available vertebrate species. In silico splice site analysis predicts that this alteration will weaken the native splice donor site and will result in the creation or strengthening of a novel splice donor site. However, loss of function has not been established as a mechanism of disease. Based on the available evidence, the clinical significance of this variant remains unclear.

All of Us Research Program, National Institutes of Health
Classification: Uncertain significance for Catecholaminergic polymorphic ventricular tachycardia. Last evaluated: 2024-05-30. Review status: criteria provided, single submitter. Criteria: ACMG Guidelines, 2015. Collection method: clinical testing. Allele origin: germline. Inheritance: Autosomal dominant inheritance. Observed: 1 variant allele, 1 heterozygote.
Comment: This variant is located in the RYR2 protein. To our knowledge, functional studies have not been reported for this variant. This variant has not been reported in individuals affected with RYR2-related disorders in the literature. This variant has not been identified in the general population by the Genome Aggregation Database (gnomAD). The available evidence is insufficient to determine the role of this variant in disease conclusively. Therefore, this variant is classified as a Variant of Uncertain Significance.

This study involves interpretation of variants in research participants for the purpose of population health screening. Participant phenotype was not available at the time of variant classification. Additional details can be found in publication PMID: 35346344, PMCID: PMC8962531

Labcorp Genetics (formerly Invitae), Labcorp
Classification: Uncertain significance for Catecholaminergic polymorphic ventricular tachycardia 1. Last evaluated: 2023-03-13. Review status: criteria provided, single submitter. Criteria: Invitae Variant Classification Sherloc (09022015). Collection method: clinical testing. Allele origin: germline.
Comment: In summary, the available evidence is currently insufficient to determine the role of this variant in disease. Therefore, it has been classified as a Variant of Uncertain Significance. Variants that disrupt the consensus splice site are a relatively common cause of aberrant splicing (PMID: 17576681, 9536098). Algorithms developed to predict the effect of sequence changes on RNA splicing suggest that this variant may disrupt the consensus splice site. ClinVar contains an entry for this variant (Variation ID: 1315605). This variant has not been reported in the literature in individuals affected with RYR2-related conditions. This variant is not present in population databases (gnomAD no frequency). This sequence change affects codon 1425 of the RYR2 mRNA. It is a 'silent' change, meaning that it does not change the encoded amino acid sequence of the RYR2 protein. This variant also falls at the last nucleotide of exon 32, which is part of the consensus splice site for this exon.

GeneDx
Classification: Uncertain significance. Last evaluated: 2019-04-19. Review status: criteria provided, single submitter. Criteria: GeneDx Variant Classification Process June 2021. Collection method: clinical testing. Allele origin: germline. Affected: yes.
Comment: Has not been previously published as pathogenic or benign to our knowledge; Not observed in large population cohorts (Lek et al., 2016); In-silico analysis, which includes splice predictors and evolutionary conservation, is inconclusive as to whether the variant alters gene splicing. In the absence of RNA/functional studies, the actual effect of this sequence change is unknown.

Literature cited by the submitters: PubMed 17576681 (cited by Labcorp Genetics (formerly Invitae), Labcorp); PubMed 9536098 (cited by Labcorp Genetics (formerly Invitae), Labcorp).

NM_001035.3(RYR2):c.4275G>A (p.Thr1425=)

Gene: RYR2 (ryanodine receptor 2; plus strand). Cytogenetic location: 1q43.
Variant type: single nucleotide variant.
Coding change: c.4275G>A on transcript NM_001035.3 (MANE Select); coding-DNA position 4275, G replaced by A.
Protein change: p.Thr1425=; no amino-acid change (threonine 1425 retained).
Molecular consequence: synonymous variant.
Genome position (GRCh38, 1-based): chr1:237,591,853, G>A. VCF-style: chr1-237591853-G-A. GRCh37 (hg19) VCF-style: chr1-237755153-G-A.
Identifiers: ClinVar variation 1315605 (VCV001315605.5), dbSNP rs1488525254, ClinGen allele CA423819909.